The following is an entry in ClinVar:

ClinVar aggregate classification (germline): Uncertain significance. Review status: criteria provided, multiple submitters, no conflicts (2 of 4 stars). 2 submissions from 2 submitters: Uncertain significance (2). Last evaluated 2026-04-22.

Conditions:
Monogenic short statue.
TOP3A-related disorder. Also called: TOP3A-related disorders; TOP3A-related condition.

gnomAD v4.1: 71 of 1,614,010 alleles (0.0044%); highest among the groups gnomAD compares: Non-Finnish European, 0.0054%; no homozygotes.

Submissions (2):

NHS Central & South Genomic Laboratory Hub
Classification: Uncertain significance for Monogenic short statue. Last evaluated: 2026-04-22. Review status: criteria provided, single submitter. Criteria: ACMG Guidelines, 2015. Collection method: clinical testing. Allele origin: germline. Affected: yes.

PreventionGenetics, part of Exact Sciences
Classification: Uncertain significance for TOP3A-related condition. Last evaluated: 2025-10-22. Review status: criteria provided, single submitter. Criteria: ACMG Guidelines, 2015. Collection method: clinical testing. Allele origin: germline.
Comment: The TOP3A c.2902C>T variant is predicted to result in the amino acid substitution p.Arg968Trp. To our knowledge, this variant has not been reported in the literature. This variant is reported in 0.016% of alleles in individuals of African descent in gnomAD. At this time, the clinical significance of this variant is uncertain due to the absence of conclusive functional and genetic evidence.

NM_004618.5(TOP3A):c.2902C>T (p.Arg968Trp)

Gene: TOP3A (DNA topoisomerase III alpha; minus strand). Cytogenetic location: 17p11.2.
Variant type: single nucleotide variant.
Coding change: c.2902C>T on transcript NM_004618.5 (MANE Select); coding-DNA position 2902, C replaced by T.
Protein change: p.Arg968Trp; replaces arginine 968 with tryptophan.
Molecular consequence: missense variant.
Genome position (GRCh38, 1-based): chr17:18,274,906, G>A on the plus strand (C>T on the coding strand, the complement: TOP3A is on the minus strand). VCF-style: chr17-18274906-G-A. GRCh37 (hg19) VCF-style: chr17-18178220-G-A.
Other names: c.2902C>T (NM_004618.4); c.2617C>T, p.Arg873Trp (NM_001320759.2); short protein forms R873W, R968W.
Identifiers: ClinVar variation 4820632 (VCV004820632.2).